The following is an entry in ClinVar:

NM_001458.5(FLNC):c.-12G>T

Gene: FLNC (filamin C; plus strand). Cytogenetic location: 7q32.1.
Variant type: single nucleotide variant.
Coding change: c.-12G>T on transcript NM_001458.5 (MANE Select); 12 bases upstream of the start codon, G replaced by T.
Molecular consequence: 5 prime UTR variant.
Genome position (GRCh38, 1-based): chr7:128,830,626, G>T. VCF-style: chr7-128830626-G-T. GRCh37 (hg19) VCF-style: chr7-128470680-G-T.
Other names: c.-12G>T (NM_001127487.2).
Identifiers: ClinVar variation 258125 (VCV000258125.4), dbSNP rs199842696, ClinGen allele CA4473945.
Genomic context (GRCh38, chr7:128,830,626, plus strand): 5'-AACAGCGCCCGACAGCCCCCGATAGCCCAAACCGCGGCCCTAGCCCCGGCCGCACCCCCA[G>T]CCCGCGCCAGCATGATGAACAACAGCGGCTACTCAGACGCCGGCCTCGGCCTGGGCGATG-3'

ClinVar aggregate classification (germline): Benign/Likely benign. Review status: criteria provided, multiple submitters, no conflicts (2 of 4 stars). 4 submissions from 4 submitters: Benign (2); Likely benign (2). Last evaluated 2024-09-16.

Allele frequency attached by ClinVar (database versions not stated): gnomAD exomes 0.00050 and 0.00128; ExAC 0.00173; ESP Exome Variant Server 0.00524; gnomAD 0.00549 and 0.00599; 1000 Genomes Project 0.00559; 1000 Genomes Project 30x 0.00578; TOPMed 0.00625.
gnomAD v4.1: 1,583 of 1,611,332 alleles (0.098%); highest among the groups gnomAD compares: African/African-American, 1.9%; 16 homozygotes.

Submissions (4):

Blueprint Genetics
Classification: Likely benign. Last evaluated: 2024-09-16. Review status: criteria provided, single submitter. Criteria: ACMG Guidelines, 2015. Collection method: clinical testing. Allele origin: germline.

Women's Health and Genetics/Laboratory Corporation of America, LabCorp
Classification: Benign. Last evaluated: 2023-04-10. Review status: criteria provided, single submitter. Criteria: LabCorp Variant Classification Summary - May 2015. Collection method: clinical testing. Allele origin: germline.

GeneDx
Classification: Likely benign. Last evaluated: 2017-12-06. Review status: criteria provided, single submitter. Criteria: GeneDx Variant Classification (06012015). Collection method: clinical testing. Allele origin: germline. Affected: yes.
Comment: This variant is considered likely benign or benign based on one or more of the following criteria: it is a conservative change, it occurs at a poorly conserved position in the protein, it is predicted to be benign by multiple in silico algorithms, and/or has population frequency not consistent with disease.

PreventionGenetics, part of Exact Sciences
Classification: Benign. Review status: criteria provided, single submitter. Criteria: ACMG Guidelines, 2015. Collection method: clinical testing. Allele origin: germline.